The following is an entry in ClinVar:

NC_000002.12:g.(?_214767472)_(214809569_?)del

Gene: BARD1 (BRCA1 associated RING domain 1; minus strand). Cytogenetic location: 2q35.
Variant type: Deletion.
Identifiers: ClinVar variation 830984 (VCV000830984.4).

ClinVar aggregate classification (germline): Pathogenic (1 of 4 stars; one submission).

Conditions:
Familial cancer of breast. Also called: BREAST CANCER, FAMILIAL; Hereditary breast cancer; hereditary breast carcinoma. Identifiers: Orphanet 227535, MedGen C0346153, MONDO:0016419, OMIM 114480. Disease mechanism: loss of function.

Submission:

Labcorp Genetics (formerly Invitae), Labcorp
Classification: Pathogenic for Familial cancer of breast. Last evaluated: 2022-03-25. Review status: criteria provided, single submitter. Criteria: Invitae Variant Classification Sherloc (09022015). Collection method: clinical testing. Allele origin: germline.
Comment: For these reasons, this variant has been classified as Pathogenic. This variant has not been reported in the literature in individuals affected with BARD1-related conditions. This variant is a gross deletion of the genomic region encompassing exon(s) 1-6 of the BARD1 gene, which includes the initiator codon. This deletion extends beyond the assayed region for this gene and therefore may encompass additional genes. It is expected to result in an absent or disrupted protein product. Loss-of-function variants in BARD1 are known to be pathogenic (PMID: 20077502, 21344236).

Literature cited by the submitters: PubMed 20077502; PubMed 21344236.